The following is an entry in ClinVar:

ClinVar aggregate classification (germline): Uncertain significance (1 of 4 stars; one submission).

Allele frequency attached by ClinVar (database versions not stated): ExAC 0.00001; gnomAD exomes 0.00003 and 0.00004; TOPMed 0.00005; gnomAD 0.00007.
gnomAD v4.1: 60 of 1,613,466 alleles (0.0037%); highest among the groups gnomAD compares: Non-Finnish European, 0.0049%; no homozygotes.

Submission:

Labcorp Genetics (formerly Invitae), Labcorp
Classification: Uncertain significance. Last evaluated: 2022-10-13. Review status: criteria provided, single submitter. Criteria: Invitae Variant Classification Sherloc (09022015). Collection method: clinical testing. Allele origin: germline.
Comment: This sequence change replaces threonine, which is neutral and polar, with alanine, which is neutral and non-polar, at codon 1062 of the MPDZ protein (p.Thr1062Ala). This variant is present in population databases (rs763919393, gnomAD 0.008%). This variant has not been reported in the literature in individuals affected with MPDZ-related conditions. ClinVar contains an entry for this variant (Variation ID: 1375102). Algorithms developed to predict the effect of missense changes on protein structure and function (SIFT, PolyPhen-2, Align-GVGD) all suggest that this variant is likely to be disruptive. In summary, the available evidence is currently insufficient to determine the role of this variant in disease. Therefore, it has been classified as a Variant of Uncertain Significance.

NM_001378778.1(MPDZ):c.3184A>G (p.Thr1062Ala)

Gene: MPDZ (multiple PDZ domain crumbs cell polarity complex component; minus strand). Cytogenetic location: 9p23.
Variant type: single nucleotide variant.
Coding change: c.3184A>G on transcript NM_001378778.1 (MANE Select); coding-DNA position 3184, A replaced by G.
Protein change: p.Thr1062Ala; replaces threonine 1062 with alanine.
Molecular consequence: missense variant.
Genome position (GRCh38, 1-based): chr9:13,168,436, T>C on the plus strand (A>G on the coding strand, the complement: MPDZ is on the minus strand). VCF-style: chr9-13168436-T-C. GRCh37 (hg19) VCF-style: chr9-13168435-T-C.
Other names: c.3184A>G, p.Thr1062Ala (NM_001261406.2, NM_001261407.2, NM_001330637.2 and 14 more transcripts); short protein forms T1062A.
Identifiers: ClinVar variation 1375102 (VCV001375102.3), dbSNP rs763919393, ClinGen allele CA4987233.